The following is an entry in ClinVar:

NM_002691.4(POLD1):c.1A>C (p.Met1Leu)

Gene: POLD1 (DNA polymerase delta 1, catalytic subunit; plus strand). Cytogenetic location: 19q13.33.
Variant type: single nucleotide variant.
Coding change: c.1A>C on transcript NM_002691.4 (MANE Select); coding-DNA position 1, A replaced by C.
Protein change: p.Met1Leu; changes the start codon (methionine 1).
Molecular consequence: missense variant, initiator codon variant. On other transcripts: non-coding transcript variant (1).
Genome position (GRCh38, 1-based): chr19:50,398,852, A>C. VCF-style: chr19-50398852-A-C. GRCh37 (hg19) VCF-style: chr19-50902109-A-C.
Other names: c.1A>C, p.Met1Leu (NM_001256849.1, NM_001308632.1); c.1A>C (NM_002691.2); short protein forms M1L.
Identifiers: ClinVar variation 1469315 (VCV001469315.6), dbSNP rs2038467552, ClinGen allele CA406969949.

ClinVar aggregate classification (germline): Uncertain significance. Review status: criteria provided, multiple submitters, no conflicts (2 of 4 stars). 2 submissions from 2 submitters: Uncertain significance (2). Last evaluated 2026-06-23.

Conditions:
Hereditary cancer-predisposing syndrome. Also called: Hereditary Cancer Syndrome; Tumor predisposition; Neoplastic Syndromes, Hereditary; Hereditary neoplastic syndrome. Identifiers: Orphanet 140162, MedGen C0027672, MeSH D009386, MONDO:0015356.
POLD1-related polyposis and colorectal cancer syndrome (CRCS10). Also called: Colorectal cancer 10; Colorectal cancer, susceptibility to, 10; COLORECTAL CANCER, SUSCEPTIBILITY TO, ON CHROMOSOME 19q. Identifiers: Orphanet 220460, MedGen C2675481, MONDO:0012953, OMIM 612591.

Submissions (2):

Ambry Genetics
Classification: Uncertain significance for Hereditary cancer-predisposing syndrome. Last evaluated: 2026-06-23. Review status: criteria provided, single submitter. Criteria: Ambry Variant Classification Scheme 2023. Collection method: clinical testing. Allele origin: germline.
Comment: The p.M1? variant (also known as c.1A>C) is located in coding exon 1 of the POLD1 gene and results from a A to C substitution at nucleotide position 1. This alters the methionine residue at the initiation codon (ATG). This amino acid position is highly conserved in available vertebrate species. Sequence variations that modify the initiation codon are expected to result in either loss of translation initiation, N-terminal truncation, or cause a shift in the mRNA reading frame. However, there is an in-frame methionine 40 amino acids from the initiation site, which may result in N-terminal truncation of unknown functional significance, and loss of function has not been established as a mechanism of disease. Based on the available evidence, the clinical significance of this variant remains unclear.

Labcorp Genetics (formerly Invitae), Labcorp
Classification: Uncertain significance for POLD1-related polyposis and colorectal cancer syndrome. Last evaluated: 2025-12-06. Review status: criteria provided, single submitter. Criteria: Invitae Variant Classification Sherloc (09022015). Collection method: clinical testing. Allele origin: germline.
Comment: This sequence change affects the initiator codon of the POLD1 mRNA. This change may impact translation initiation or efficiency. The next in-frame methionine is located at codon 41. This variant is not present in population databases (gnomAD no frequency). This variant has not been reported in the literature in individuals affected with POLD1-related conditions. ClinVar contains an entry for this variant (Variation ID: 1469315). In summary, the available evidence is currently insufficient to determine the role of this variant in disease. Therefore, it has been classified as a Variant of Uncertain Significance.